The following is an entry in ClinVar:

NM_004612.4(TGFBR1):c.438T>C (p.Tyr146=)

Gene: TGFBR1 (transforming growth factor beta receptor 1; plus strand). Cytogenetic location: 9q22.33.
Variant type: single nucleotide variant.
Coding change: c.438T>C on transcript NM_004612.4 (MANE Select); coding-DNA position 438, T replaced by C.
Protein change: p.Tyr146=; no amino-acid change (tyrosine 146 retained).
Molecular consequence: synonymous variant. On other transcripts: non-coding transcript variant (4), intron variant (3).
Genome position (GRCh38, 1-based): chr9:99,132,603, T>C. VCF-style: chr9-99132603-T-C. GRCh37 (hg19) VCF-style: chr9-101894885-T-C.
Other names: c.450T>C, p.Tyr150= (NM_001306210.2, NM_001407416.1); c.438T>C, p.Tyr146= (NM_001407417.1, NM_001407435.1); c.243T>C, p.Tyr81= (NM_001407418.1, NM_001407419.1, NM_001407420.1 and 1 more transcripts); c.231T>C, p.Tyr77= (NM_001407423.1, NM_001407424.1, NM_001407425.1 and 8 more transcripts); c.192T>C, p.Tyr64= (NM_001407436.1); c.343+3503T>C (NM_001130916.3); c.98-5256T>C (NM_001407438.1); c.98-9933T>C (NM_001407437.1).
Identifiers: ClinVar variation 3072783 (VCV003072783.2), dbSNP rs1234995886, ClinGen allele CA466648122.

ClinVar aggregate classification (germline): Likely benign. Review status: criteria provided, multiple submitters, no conflicts (2 of 4 stars). 2 submissions from 2 submitters: Likely benign (2). Last evaluated 2025-04-10.

Conditions:
Familial thoracic aortic aneurysm and aortic dissection (TAAD). Also called: Thoracic aortic aneurysms and dissections. Identifiers: Orphanet 91387, MedGen C4707243, MONDO:0019625.
Loeys-Dietz syndrome (LDS). Identifiers: Orphanet 60030, MedGen C2697932, MONDO:0018954.

Allele frequency attached by ClinVar (database versions not stated): gnomAD 0.00001; TOPMed 0.00001.
gnomAD v4.1: 2 of 1,614,070 alleles (0.00012%); highest among the groups gnomAD compares: African/African-American, 0.0027%; no homozygotes.

Submissions (2):

Labcorp Genetics (formerly Invitae), Labcorp
Classification: Likely benign for Familial thoracic aortic aneurysm and aortic dissection. Last evaluated: 2025-04-10. Review status: criteria provided, single submitter. Criteria: Invitae Variant Classification Sherloc (09022015). Collection method: clinical testing. Allele origin: germline.

All of Us Research Program, National Institutes of Health
Classification: Likely benign for Loeys-Dietz syndrome. Last evaluated: 2024-02-05. Review status: criteria provided, single submitter. Criteria: ACMG Guidelines, 2015. Collection method: clinical testing. Allele origin: germline. Inheritance: Autosomal dominant inheritance. Observed: 2 variant alleles, 2 heterozygotes.
Comment: This study involves interpretation of variants in research participants for the purpose of population health screening. Participant phenotype was not available at the time of variant classification. Additional details can be found in publication PMID: 35346344, PMCID: PMC8962531